The following is an entry in ClinVar:

ClinVar aggregate classification (germline): Uncertain significance (1 of 4 stars; one submission).

Allele frequency attached by ClinVar (database versions not stated): gnomAD exomes below 0.00001; ExAC 0.00002.
gnomAD v4.1: 5 of 1,583,292 alleles (0.00032%); highest among the groups gnomAD compares: South Asian, 0.0057%; no homozygotes.

Submission:

Labcorp Genetics (formerly Invitae), Labcorp
Classification: Uncertain significance. Last evaluated: 2021-12-18. Review status: criteria provided, single submitter. Criteria: Invitae Variant Classification Sherloc (09022015). Collection method: clinical testing. Allele origin: germline.
Comment: This sequence change replaces serine, which is neutral and polar, with proline, which is neutral and non-polar, at codon 28 of the SCLT1 protein (p.Ser28Pro). This variant is present in population databases (rs759232942, gnomAD 0.003%). In summary, the available evidence is currently insufficient to determine the role of this variant in disease. Therefore, it has been classified as a Variant of Uncertain Significance. Algorithms developed to predict the effect of missense changes on protein structure and function output the following: SIFT: "Tolerated"; PolyPhen-2: "Benign"; Align-GVGD: "Class C0". The proline amino acid residue is found in multiple mammalian species, which suggests that this missense change does not adversely affect protein function. This variant has not been reported in the literature in individuals affected with SCLT1-related conditions.

NM_144643.4(SCLT1):c.82T>C (p.Ser28Pro)

Gene: SCLT1 (sodium channel and clathrin linker 1; minus strand). Cytogenetic location: 4q28.2.
Variant type: single nucleotide variant.
Coding change: c.82T>C on transcript NM_144643.4 (MANE Select); coding-DNA position 82, T replaced by C.
Protein change: p.Ser28Pro; replaces serine 28 with proline.
Molecular consequence: missense variant.
Genome position (GRCh38, 1-based): chr4:129,082,326, A>G on the plus strand (T>C on the coding strand, the complement: SCLT1 is on the minus strand). VCF-style: chr4-129082326-A-G. GRCh37 (hg19) VCF-style: chr4-130003481-A-G.
Other names: c.82T>C, p.Ser28Pro (NM_001300897.2, NM_001300898.2, NM_001410807.1); short protein forms S28P.
Identifiers: ClinVar variation 2040376 (VCV002040376.4), dbSNP rs759232942, ClinGen allele CA3080091.